The following is an entry in ClinVar:

ClinVar aggregate classification (germline): Uncertain significance. Review status: criteria provided, multiple submitters, no conflicts (2 of 4 stars). 3 submissions from 3 submitters: Uncertain significance (3). Last evaluated 2026-10-01.

Conditions:
Gorlin syndrome. Also called: Basal cell nevus syndrome; Nevoid Basal Cell Carcinoma Syndrome. Identifiers: Orphanet 377, MedGen C0004779, MONDO:0007187.
Basal cell nevus syndrome 1 (BCNS1). Also called: GORLIN-GOLTZ SYNDROME; MULTIPLE BASAL CELL NEVI, ODONTOGENIC KERATOCYSTS, AND SKELETAL ANOMALIES. Identifiers: MedGen CN376810, MONDO:0958174, OMIM 109400.

Allele frequency attached by ClinVar (database versions not stated): gnomAD exomes 0.00001; gnomAD 0.00003; TOPMed 0.00006.
gnomAD v4.1: 21 of 1,614,122 alleles (0.0013%); highest among the groups gnomAD compares: Admixed American, 0.015%; no homozygotes.

Submissions (3):

St. Jude Molecular Pathology, St. Jude Children's Research Hospital
Classification: Uncertain significance for Basal cell nevus syndrome 1. Last evaluated: 2026-10-01. Review status: criteria provided, single submitter. Criteria: St. Jude Assertion Criteria 2020. Collection method: clinical testing. Allele origin: germline.
Comment: The PTCH2 c.991C>T p.(His331Tyr) missense change has a maximum subpopulation frequency of 0.006% in gnomAD v2.1.1. The in silico tool REVEL predicts a deleterious effect on protein function, but to our knowledge this prediction has not been confirmed by functional studies. To our knowledge, this variant has not been reported in individuals with nevoid basal cell carcinoma syndrome. In summa ry, the evidence currently available is insufficient to determine the clinical significance of this variant. It has therefore been classified as of uncertain significance.

Labcorp Genetics (formerly Invitae), Labcorp
Classification: Uncertain significance for Gorlin syndrome. Last evaluated: 2025-07-20. Review status: criteria provided, single submitter. Criteria: Invitae Variant Classification Sherloc (09022015). Collection method: clinical testing. Allele origin: germline.
Comment: This sequence change replaces histidine, which is basic and polar, with tyrosine, which is neutral and polar, at codon 331 of the PTCH2 protein (p.His331Tyr). This variant is present in population databases (rs200534670, gnomAD 0.006%). This variant has not been reported in the literature in individuals affected with PTCH2-related conditions. ClinVar contains an entry for this variant (Variation ID: 2191242). Invitae Evidence Modeling of protein sequence and biophysical properties (such as structural, functional, and spatial information, amino acid conservation, physicochemical variation, residue mobility, and thermodynamic stability) indicates that this missense variant is not expected to disrupt PTCH2 protein function with a negative predictive value of 80%. In summary, the available evidence is currently insufficient to determine the role of this variant in disease. Therefore, it has been classified as a Variant of Uncertain Significance.

Ambry Genetics
Classification: Uncertain significance. Last evaluated: 2025-04-11. Review status: criteria provided, single submitter. Criteria: Ambry Variant Classification Scheme 2023. Collection method: clinical testing. Allele origin: germline.

NM_003738.5(PTCH2):c.991C>T (p.His331Tyr)

Gene: PTCH2 (patched 2; minus strand). Cytogenetic location: 1p34.1.
Variant type: single nucleotide variant.
Coding change: c.991C>T on transcript NM_003738.5 (MANE Select); coding-DNA position 991, C replaced by T.
Protein change: p.His331Tyr; replaces histidine 331 with tyrosine.
Molecular consequence: missense variant.
Genome position (GRCh38, 1-based): chr1:44,829,706, G>A on the plus strand (C>T on the coding strand, the complement: PTCH2 is on the minus strand). VCF-style: chr1-44829706-G-A. GRCh37 (hg19) VCF-style: chr1-45295378-G-A.
Other names: c.991C>T, p.His331Tyr (NM_001166292.2); c.991C>T (NM_003738.4); short protein forms H331Y.
Identifiers: ClinVar variation 2191242 (VCV002191242.7), dbSNP rs200534670, ClinGen allele CA21747633.
Genomic context (GRCh38, chr1:44,829,706, plus strand): 5'-CTGTGCTGGCCTGCTCCTCACTCCAGCCAATGTCATGTGTCTGATAGTCACCCCGGAAAT[G>A]CTCGTACAGCTGGCGGGGACTCATCAGCAAGAAGGTGCTCTGCAGGGCCTCTGCCCTGGT-3'
Protein context (NP_003729.3, residues 321-341): LLMSPRQLYE[His331Tyr]FRGDYQTHDI